The following is an entry in ClinVar:

NM_138295.5(PKD1L1):c.2562A>G (p.Gln854=)

Gene: PKD1L1 (polycystin 1 like 1, transient receptor potential channel interacting; minus strand). Cytogenetic location: 7p12.3.
Variant type: single nucleotide variant.
Coding change: c.2562A>G on transcript NM_138295.5 (MANE Select); coding-DNA position 2562, A replaced by G.
Protein change: p.Gln854=; no amino-acid change (glutamine 854 retained).
Molecular consequence: synonymous variant.
Genome position (GRCh38, 1-based): chr7:47,890,655, T>C on the plus strand (A>G on the coding strand, the complement: PKD1L1 is on the minus strand). VCF-style: chr7-47890655-T-C. GRCh37 (hg19) VCF-style: chr7-47930253-T-C.
Identifiers: ClinVar variation 4981273 (VCV004981273.1).

ClinVar aggregate classification (germline): Likely benign (1 of 4 stars; one submission).

Conditions:
PKD1L1-related disorder. Also called: PKD1L1-related condition.

gnomAD v4.1: 31 of 1,613,982 alleles (0.0019%); highest among the groups gnomAD compares: South Asian, 0.0066%; no homozygotes.

Submission:

PreventionGenetics, part of Exact Sciences
Classification: Likely benign for PKD1L1-related condition. Last evaluated: 2026-01-15. Review status: criteria provided, single submitter. Criteria: ACMG Guidelines, 2015. Collection method: clinical testing. Allele origin: germline.
Comment: This variant is classified as likely benign based on ACMG/AMP sequence variant interpretation guidelines (Richards et al. 2015 PMID: 25741868, with internal and published modifications).